The following is an entry in ClinVar:

ClinVar aggregate classification (germline): Pathogenic (1 of 4 stars; one submission).

Conditions:
MKKS-related disorder. Also called: MKKS-related disorders; MKKS-related condition.

Submission:

Daryl Scott Lab, Baylor College of Medicine
Classification: Pathogenic for MKKS-related disorder. Last evaluated: 2024-01-01. Review status: criteria provided, single submitter. Criteria: ACMG Guidelines, 2015. Collection method: clinical testing. Allele origin: unknown. Affected: yes. Observed: 1 heterozygote.
Comment: PVS1, PM2

NM_170784.3(MKKS):c.599_603del (p.Leu200fs)

Gene: MKKS (MKKS centrosomal shuttling protein; minus strand). Cytogenetic location: 20p12.2.
Variant type: Deletion.
Coding change: c.599_603del on transcript NM_170784.3 (MANE Select); coding-DNA positions 599 to 603, 5 bases deleted (TAATT; older notation c.599_603delTAATT).
Protein change: p.Leu200fs; shifts the reading frame from leucine 200.
Molecular consequence: frameshift variant.
Genome position (GRCh38, 1-based): chr20:10,412,912-10,412,916, AATTA deleted on the plus strand (TAATT on the coding strand, the reverse complement: MKKS is on the minus strand); deleting any 5 consecutive bases within chr20:10,412,912-10,412,918 gives the same sequence; the c. name uses the placement nearest the transcript's 3' end. VCF-style (leftmost placement, unchanged base first): chr20-10412911-CAATTA-C. GRCh37 (hg19) VCF-style: chr20-10393559-CAATTA-C.
Other names: c.599_603del, p.Leu200fs (NM_018848.3); c.599_603delTAATT (NM_170784.3); short protein forms L200fs.
Identifiers: ClinVar variation 3764599 (VCV003764599.1).
Genomic context (GRCh38, chr20:10,412,911, plus strand): 5'-TTTCAATGAGTATCCCAGGTAATACAGTGGAATCTATAACTCTTTGACCTTTTAAAGGTA[CAATTA>C]AACTCTTTCCTAAAATGATGTGGCCTTCAGCATTTTCTGGAATTGTAAGCAAAAAGGCTC-3'